The following is an entry in ClinVar:

ClinVar aggregate classification (germline): Uncertain significance. Review status: criteria provided, multiple submitters, no conflicts (2 of 4 stars). 2 submissions from 2 submitters: Uncertain significance (2). Last evaluated 2021-07-12.

Conditions:
Emery-Dreifuss muscular dystrophy 4, autosomal dominant (EDMD4). Also called: EMERY-DREIFUSS MUSCULAR DYSTROPHY 4 WITH VARIABLE FEATURES. Identifiers: Orphanet 261, MedGen C2751807, MONDO:0013071, OMIM 612998.
Autosomal recessive ataxia, Beauce type. Also called: SYNE1 Deficiency; Spinocerebellar ataxia, autosomal recessive 8; ATAXIA, RECESSIVE, OF BEAUCE; SYNE1-Related Autosomal Recessive Cerebellar Ataxia. Identifiers: Orphanet 88644, MedGen C1853116, MONDO:0012549, OMIM 610743.

Allele frequency attached by ClinVar (database versions not stated): gnomAD exomes below 0.00001 and 0.00001; gnomAD 0.00001; TOPMed 0.00001.
gnomAD v4.1: 17 of 1,614,070 alleles (0.0011%); highest among the groups gnomAD compares: Non-Finnish European, 0.0014%; no homozygotes.

Submissions (2):

Labcorp Genetics (formerly Invitae), Labcorp
Classification: Uncertain significance for Emery-Dreifuss muscular dystrophy 4, autosomal dominant; Autosomal recessive ataxia, Beauce type. Last evaluated: 2021-07-12. Review status: criteria provided, single submitter. Criteria: Invitae Variant Classification Sherloc (09022015). Collection method: clinical testing. Allele origin: germline.
Comment: This sequence change replaces isoleucine with valine at codon 4296 of the SYNE1 protein (p.Ile4296Val). The isoleucine residue is highly conserved and there is a small physicochemical difference between isoleucine and valine. This variant is not present in population databases (ExAC no frequency). This variant has not been reported in the literature in individuals affected with SYNE1-related conditions. ClinVar contains an entry for this variant (Variation ID: 501171). Algorithms developed to predict the effect of missense changes on protein structure and function output the following: SIFT: "Deleterious"; PolyPhen-2: "Benign"; Align-GVGD: "Class C25". The valine amino acid residue is found in multiple mammalian species, which suggests that this missense change does not adversely affect protein function. In summary, the available evidence is currently insufficient to determine the role of this variant in disease. Therefore, it has been classified as a Variant of Uncertain Significance.

Eurofins Ntd Llc (ga)
Classification: Uncertain significance. Last evaluated: 2017-04-06. Review status: criteria provided, single submitter. Criteria: EGL Classification Definitions 2015. Collection method: clinical testing. Allele origin: germline. Observed: 2 variant alleles, 2 heterozygotes.

NM_182961.4(SYNE1):c.13099A>G (p.Ile4367Val)

Gene: SYNE1 (spectrin repeat containing nuclear envelope protein 1; minus strand). Cytogenetic location: 6q25.2.
Variant type: single nucleotide variant.
Coding change: c.13099A>G on transcript NM_182961.4 (MANE Select); coding-DNA position 13099, A replaced by G.
Protein change: p.Ile4367Val; replaces isoleucine 4367 with valine.
Molecular consequence: missense variant.
Genome position (GRCh38, 1-based): chr6:152,331,586, T>C on the plus strand (A>G on the coding strand, the complement: SYNE1 is on the minus strand). VCF-style: chr6-152331586-T-C. GRCh37 (hg19) VCF-style: chr6-152652721-T-C.
Other names: c.12886A>G, p.Ile4296Val (NM_033071.5); short protein forms I4296V, I4367V.
Identifiers: ClinVar variation 501171 (VCV000501171.10), dbSNP rs1157664680, ClinGen allele CA366102690.